The following is an entry in ClinVar:

NM_001080508.3(TBX18):c.64G>A (p.Val22Met)

Gene: TBX18 (T-box transcription factor 18; minus strand). Cytogenetic location: 6q14.3.
Variant type: single nucleotide variant.
Coding change: c.64G>A on transcript NM_001080508.3 (MANE Select); coding-DNA position 64, G replaced by A.
Protein change: p.Val22Met; replaces valine 22 with methionine.
Molecular consequence: missense variant.
Genome position (GRCh38, 1-based): chr6:84,764,118, C>T on the plus strand (G>A on the coding strand, the complement: TBX18 is on the minus strand). VCF-style: chr6-84764118-C-T. GRCh37 (hg19) VCF-style: chr6-85473836-C-T.
Other names: c.64G>A (NM_001080508.1); short protein forms V22M.
Identifiers: ClinVar variation 3052898 (VCV003052898.3), dbSNP rs2481871073, ClinGen allele CA364893428.

ClinVar aggregate classification (germline): Uncertain significance. Review status: criteria provided, single submitter (1 of 4 stars). 2 submissions from 2 submitters: Uncertain significance (1). 1 of the submissions does not count toward it. Last evaluated 2025-08-06.

Conditions:
TBX18-related disorder. Also called: TBX18-related condition.
Inborn genetic diseases. Identifiers: MedGen C0950123, MeSH D030342.

gnomAD v4.1: 1 of 1,584,758 alleles (0.000063%); no homozygotes.

Submissions (2):

Ambry Genetics
Classification: Uncertain significance for Inborn genetic diseases. Last evaluated: 2025-08-06. Review status: criteria provided, single submitter. Criteria: Ambry Variant Classification Scheme 2023. Collection method: clinical testing. Allele origin: germline.

PreventionGenetics, part of Exact Sciences
Classification: Uncertain significance for TBX18-related condition. Last evaluated: 2024-01-31. Review status: no assertion criteria provided. Collection method: clinical testing. Allele origin: germline. Not counted in ClinVar's aggregate classification.
Comment: The TBX18 c.64G>A variant is predicted to result in the amino acid substitution p.Val22Met. To our knowledge, this variant has not been reported in the literature or in a large population database, indicating this variant is rare. At this time, the clinical significance of this variant is uncertain due to the absence of conclusive functional and genetic evidence.